The following is an entry in ClinVar:

ClinVar aggregate classification (germline): Likely benign. Review status: criteria provided, multiple submitters, no conflicts (2 of 4 stars). 4 submissions from 4 submitters: Likely benign (4). Last evaluated 2026-01-04.

Conditions:
Oto-palato-digital syndrome, type II (OPD2). Also called: FACIOPALATOOSSEOUS SYNDROME; OPD II SYNDROME; Otopalatodigital Syndrome Type 2 (FLNA-OPD2); Otopalatodigital Syndrome, Type II. Identifiers: Orphanet 669, Orphanet 90652, MedGen C1844696, MONDO:0010571, OMIM 304120.
Melnick-Needles syndrome (MNS). Also called: OSTEODYSPLASTY OF MELNICK AND NEEDLES; Melnick-Needles Syndrome (FLNA-MNS); MELNICK-NEEDLES OSTEODYSPLASTY. Identifiers: Orphanet 2484, MedGen C0025237, MONDO:0010650, OMIM 309350.
Frontometaphyseal dysplasia (FMD1). Identifiers: Orphanet 1826, MedGen C0265293, MONDO:0015942.
Heterotopia, periventricular, X-linked dominant (PVNH1). Also called: PERIVENTRICULAR NODULAR HETEROTOPIA 4; HETEROTOPIA, PERIVENTRICULAR, 1; PERIVENTRICULAR NODULAR HETEROTOPIA 1; X-linked periventricular heterotopia. Identifiers: Orphanet 2149, Orphanet 82004, MedGen C1848213, MONDO:0010233, OMIM 300049.
Familial thoracic aortic aneurysm and aortic dissection (TAAD). Also called: Thoracic aortic aneurysms and dissections. Identifiers: Orphanet 91387, MedGen C4707243, MONDO:0019625.

Allele frequency attached by ClinVar (database versions not stated): gnomAD 0.00001; gnomAD exomes 0.00001; TOPMed 0.00002.

Submissions (4):

Labcorp Genetics (formerly Invitae), Labcorp
Classification: Likely benign for Oto-palato-digital syndrome, type II; Heterotopia, periventricular, X-linked dominant; Frontometaphyseal dysplasia; Melnick-Needles syndrome. Last evaluated: 2026-01-04. Review status: criteria provided, single submitter. Criteria: Invitae Variant Classification Sherloc (09022015). Collection method: clinical testing. Allele origin: germline.

Blueprint Genetics
Classification: Likely benign. Last evaluated: 2024-11-13. Review status: criteria provided, single submitter. Criteria: ACMG Guidelines, 2015. Collection method: clinical testing. Allele origin: germline.

CeGaT Center for Human Genetics Tuebingen
Classification: Likely benign. Last evaluated: 2022-05-01. Review status: criteria provided, single submitter. Criteria: CeGaT Center For Human Genetics Tuebingen Variant Classification Criteria Version 2. Collection method: clinical testing. Allele origin: germline. Affected: yes. Observed: 1 variant allele.
Comment: FLNA: BP4, BP7

Ambry Genetics
Classification: Likely benign for Familial thoracic aortic aneurysm and aortic dissection. Last evaluated: 2015-08-12. Review status: criteria provided, single submitter. Criteria: Ambry Variant Classification Scheme 2023. Collection method: clinical testing. Allele origin: germline.

NM_001110556.2(FLNA):c.7401C>T (p.Asp2467=)

Gene: FLNA (filamin A; minus strand). Cytogenetic location: Xq28.
Variant type: single nucleotide variant.
Coding change: c.7401C>T on transcript NM_001110556.2 (MANE Select); coding-DNA position 7401, C replaced by T.
Protein change: p.Asp2467=; no amino-acid change (aspartic acid 2467 retained).
Molecular consequence: synonymous variant.
Genome position (GRCh38, 1-based): chrX:154,349,800, G>A on the plus strand (C>T on the coding strand, the complement: FLNA is on the minus strand). VCF-style: chrX-154349800-G-A. GRCh37 (hg19) VCF-style: chrX-153578168-G-A.
Other names: c.7377C>T, p.Asp2459= (NM_001456.4).
Identifiers: ClinVar variation 264226 (VCV000264226.72), dbSNP rs886039087, ClinGen allele CA10587964.